The following is an entry in ClinVar:

ClinVar aggregate classification (germline): Pathogenic/Likely pathogenic. Review status: criteria provided, multiple submitters, no conflicts (2 of 4 stars). 3 submissions from 3 submitters: Pathogenic (2); Likely pathogenic (1). Last evaluated 2023-07-21.

Conditions:
Charcot-Marie-Tooth disease type 2. Also called: Charcot-Marie-Tooth type 2. Identifiers: Orphanet 64746, MedGen C0270914, MONDO:0018993.
Charcot-Marie-Tooth disease axonal type 2N (CMT2N). Also called: CHARCOT-MARIE-TOOTH DISEASE, AXONAL, AUTOSOMAL DOMINANT, TYPE 2N; CHARCOT-MARIE-TOOTH NEUROPATHY, AXONAL, TYPE 2N; Charcot-Marie-Tooth Neuropathy Type 2N. Identifiers: Orphanet 228174, MedGen C2750090, MONDO:0013212, OMIM 613287.

Allele frequency attached by ClinVar (database versions not stated): TOPMed below 0.00001; gnomAD 0.00001.
gnomAD v4.1: 1 of 1,614,040 alleles (0.000062%); highest among the groups gnomAD compares: African/African-American, 0.0013%; no homozygotes.

Submissions (3):

Labcorp Genetics (formerly Invitae), Labcorp
Classification: Pathogenic for Charcot-Marie-Tooth disease type 2. Last evaluated: 2023-07-21. Review status: criteria provided, single submitter. Criteria: Invitae Variant Classification Sherloc (09022015). Collection method: clinical testing. Allele origin: germline.
Comment: This sequence change creates a premature translational stop signal (p.Trp104*) in the AARS gene. It is expected to result in an absent or disrupted protein product. Loss-of-function variants in AARS are known to be pathogenic (PMID: 25817015, 28493438, 34446925). This variant is present in population databases (no rsID available, gnomAD 0.01%). This variant has not been reported in the literature in individuals affected with AARS-related conditions. ClinVar contains an entry for this variant (Variation ID: 1682320). For these reasons, this variant has been classified as Pathogenic.

Dasa
Classification: Likely pathogenic for Charcot-Marie-Tooth disease axonal type 2N. Last evaluated: 2022-11-03. Review status: criteria provided, single submitter. Criteria: ACMG Guidelines, 2015. Collection method: clinical testing. Allele origin: germline. Observed: 1 variant allele.
Comment: The c.312G>A;p.(Trp104*) variant creates a premature translational stop signal in the AARS1 gene. It is expected to result in an absent or disrupted protein product - PVS1. The variant is present at low allele frequencies population databases (rs1398433261 – gnomAD 0.00006573%; ABraOM no frequency) - PM2_supporting. In summary, the currently available evidence indicates that the variant is likely pathogenic.

Mendelics
Classification: Pathogenic for Charcot-Marie-Tooth disease axonal type 2N. Last evaluated: 2022-05-04. Review status: criteria provided, single submitter. Criteria: Mendelics Assertion Criteria 2019. Collection method: clinical testing. Allele origin: germline.

Literature cited by the submitters: PubMed 25817015 (cited by Labcorp Genetics (formerly Invitae), Labcorp); PubMed 28493438 (cited by Labcorp Genetics (formerly Invitae), Labcorp); PubMed 34446925 (cited by Labcorp Genetics (formerly Invitae), Labcorp).

NM_001605.3(AARS1):c.312G>A (p.Trp104Ter)

Gene: AARS1 (alanyl-tRNA synthetase 1; minus strand). Cytogenetic location: 16q22.1.
Variant type: single nucleotide variant.
Coding change: c.312G>A on transcript NM_001605.3 (MANE Select); coding-DNA position 312, G replaced by A.
Protein change: p.Trp104Ter; replaces tryptophan 104 with a stop codon.
Molecular consequence: nonsense.
Genome position (GRCh38, 1-based): chr16:70,276,987, C>T on the plus strand (G>A on the coding strand, the complement: AARS1 is on the minus strand). VCF-style: chr16-70276987-C-T. GRCh37 (hg19) VCF-style: chr16-70310890-C-T.
Other names: short protein forms W104*.
Identifiers: ClinVar variation 1682320 (VCV001682320.9), dbSNP rs1398433261, ClinGen allele CA396569374.